The following is an entry in ClinVar:

NM_001393816.1(ADIG):c.*351A>G

Gene: ADIG (adipogenin; plus strand). Cytogenetic location: 20q11.23.
Variant type: single nucleotide variant.
Coding change: c.*351A>G on transcript NM_001393816.1 (MANE Select); 351 bases downstream of the stop codon, A replaced by G.
Molecular consequence: 3 prime UTR variant. On other transcripts: synonymous variant (1), non-coding transcript variant (1).
Genome position (GRCh38, 1-based): chr20:38,588,437, A>G. VCF-style: chr20-38588437-A-G. GRCh37 (hg19) VCF-style: chr20-37217080-A-G.
Other names: c.*447A>G (NM_001018082.3); c.576A>G, p.Pro192= (NM_001393817.1).
Identifiers: ClinVar variation 2652320 (VCV002652320.24), dbSNP rs145214707, ClinGen allele CA9854887.

ClinVar aggregate classification (germline): Likely benign (1 of 4 stars; one submission).

Allele frequency attached by ClinVar (database versions not stated): 1000 Genomes Project 30x 0.00281; 1000 Genomes Project 0.00319; gnomAD exomes 0.00020; ExAC 0.00159; gnomAD 0.00214; TOPMed 0.00244.
gnomAD v4.1: 561 of 1,211,804 alleles (0.046%); highest among the groups gnomAD compares: African/African-American, 0.77%; 9 homozygotes.

Submission:

CeGaT Center for Human Genetics Tuebingen
Classification: Likely benign. Last evaluated: 2022-09-01. Review status: criteria provided, single submitter. Criteria: CeGaT Center For Human Genetics Tuebingen Variant Classification Criteria Version 2. Collection method: clinical testing. Allele origin: germline. Affected: yes. Observed: 1 variant allele.
Comment: ADIG: BP4, BP7